The following is an entry in ClinVar:

ClinVar aggregate classification (germline): Uncertain significance (1 of 4 stars; one submission).

Conditions:
Spastic paraplegia. Identifiers: MedGen C0037772, HP:0001258.

gnomAD v4.1: 21 of 1,613,922 alleles (0.0013%); highest among the groups gnomAD compares: Non-Finnish European, 0.0017%; no homozygotes.

Submission:

Labcorp Genetics (formerly Invitae), Labcorp
Classification: Uncertain significance for Spastic paraplegia. Last evaluated: 2021-07-28. Review status: criteria provided, single submitter. Criteria: Invitae Variant Classification Sherloc (09022015). Collection method: clinical testing. Allele origin: germline.
Comment: This sequence change replaces serine with asparagine at codon 335 of the CYP2U1 protein (p.Ser335Asn). The serine residue is highly conserved and there is a small physicochemical difference between serine and asparagine. In summary, the available evidence is currently insufficient to determine the role of this variant in disease. Therefore, it has been classified as a Variant of Uncertain Significance. Advanced modeling of protein sequence and biophysical properties (such as structural, functional, and spatial information, amino acid conservation, physicochemical variation, residue mobility, and thermodynamic stability) performed at Invitae indicates that this missense variant is not expected to disrupt CYP2U1 protein function. This variant has not been reported in the literature in individuals affected with CYP2U1-related conditions. This variant is not present in population databases (ExAC no frequency).

NM_183075.3(CYP2U1):c.1004G>A (p.Ser335Asn)

Gene: CYP2U1 (cytochrome P450 family 2 subfamily U member 1; plus strand). Cytogenetic location: 4q25.
Variant type: single nucleotide variant.
Coding change: c.1004G>A on transcript NM_183075.3 (MANE Select); coding-DNA position 1004, G replaced by A.
Protein change: p.Ser335Asn; replaces serine 335 with asparagine.
Molecular consequence: missense variant.
Genome position (GRCh38, 1-based): chr4:107,945,483, G>A. VCF-style: chr4-107945483-G-A. GRCh37 (hg19) VCF-style: chr4-108866639-G-A.
Other names: short protein forms S335N.
Identifiers: ClinVar variation 1502979 (VCV001502979.6), dbSNP rs142944337, ClinGen allele CA102867360.
Genomic context (GRCh38, chr4:107,945,483, plus strand): 5'-AGGACTTCATAGACATGTACCTTCTCCACATGGAAGAGGAGAGGAAAAATAATAGTAACA[G>A]CAGTTTTGATGAAGAGTACTTATTTTATATCATTGGGGATCTCTTTATTGCTGGGACTGA-3'
Protein context (NP_898898.1, residues 325-345): MEEERKNNSN[Ser335Asn]SFDEEYLFYI